The following is an entry in ClinVar:

NM_001519.4(BRF1):c.266-7G>T

Gene: BRF1 (BRF1 general transcription factor IIIB subunit; minus strand). Cytogenetic location: 14q32.33.
Variant type: single nucleotide variant.
Coding change: c.266-7G>T on transcript NM_001519.4 (MANE Select); 7 bases into the intron before coding-DNA position 266, G replaced by T.
Molecular consequence: intron variant.
Genome position (GRCh38, 1-based): chr14:105,272,901, C>A on the plus strand (G>T on the coding strand, the complement: BRF1 is on the minus strand). VCF-style: chr14-105272901-C-A. GRCh37 (hg19) VCF-style: chr14-105739238-C-A.
Other names: c.-80-7G>T (NM_001242787.2, NM_001242786.2); c.185-7G>T (NM_001242788.2); c.266-7G>T (NM_001242790.2).
Identifiers: ClinVar variation 3039500 (VCV003039500.2), dbSNP rs186545857, ClinGen allele CA7388170.

ClinVar aggregate classification (germline): Likely benign (0 of 4 stars; one submission).

Conditions:
BRF1-related disorder. Also called: BRF1-related condition.

Allele frequency attached by ClinVar (database versions not stated): 1000 Genomes Project 30x 0.00031; 1000 Genomes Project 0.00040; ESP Exome Variant Server 0.00046; gnomAD 0.00055; TOPMed 0.00072.
gnomAD v4.1: 172 of 1,600,186 alleles (0.011%); highest among the groups gnomAD compares: African/African-American, 0.19%; no homozygotes.

Submission:

PreventionGenetics, part of Exact Sciences
Classification: Likely benign for BRF1-related condition. Last evaluated: 2019-05-20. Review status: no assertion criteria provided. Collection method: clinical testing. Allele origin: germline.
Comment: This variant is classified as likely benign based on ACMG/AMP sequence variant interpretation guidelines (Richards et al. 2015 PMID: 25741868, with internal and published modifications).